The following is an entry in ClinVar:

ClinVar aggregate classification (germline): Uncertain significance. Review status: criteria provided, multiple submitters, no conflicts (2 of 4 stars). 2 submissions from 2 submitters: Uncertain significance (2). Last evaluated 2025-05-20.

Conditions:
Hereditary cancer-predisposing syndrome. Also called: Neoplastic Syndromes, Hereditary; Tumor predisposition; Hereditary neoplastic syndrome; Hereditary Cancer Syndrome. Identifiers: Orphanet 140162, MedGen C0027672, MeSH D009386, MONDO:0015356.
Cardiovascular phenotype. Identifiers: MedGen CN230736.

Submissions (2):

Labcorp Genetics (formerly Invitae), Labcorp
Classification: Uncertain significance. Last evaluated: 2025-05-20. Review status: criteria provided, single submitter. Criteria: Invitae Variant Classification Sherloc (09022015). Collection method: clinical testing. Allele origin: germline.
Comment: This sequence change replaces threonine, which is neutral and polar, with isoleucine, which is neutral and non-polar, at codon 351 of the LZTR1 protein (p.Thr351Ile). This variant is not present in population databases (gnomAD no frequency). This variant has not been reported in the literature in individuals affected with LZTR1-related conditions. ClinVar contains an entry for this variant (Variation ID: 3238010). Invitae Evidence Modeling of protein sequence and biophysical properties (such as structural, functional, and spatial information, amino acid conservation, physicochemical variation, residue mobility, and thermodynamic stability) indicates that this missense variant is not expected to disrupt LZTR1 protein function with a negative predictive value of 80%. In summary, the available evidence is currently insufficient to determine the role of this variant in disease. Therefore, it has been classified as a Variant of Uncertain Significance.

Ambry Genetics
Classification: Uncertain significance for Cardiovascular phenotype; Hereditary cancer-predisposing syndrome. Last evaluated: 2023-04-17. Review status: criteria provided, single submitter. Criteria: Ambry Variant Classification Scheme 2023. Collection method: clinical testing. Allele origin: germline.
Comment: The p.T351I variant (also known as c.1052C>T), located in coding exon 10 of the LZTR1 gene, results from a C to T substitution at nucleotide position 1052. The threonine at codon 351 is replaced by isoleucine, an amino acid with similar properties. This amino acid position is poorly conserved in available vertebrate species. In addition, this alteration is predicted to be tolerated by in silico analysis. Since supporting evidence is limited at this time, the clinical significance of this alteration remains unclear.

NM_006767.4(LZTR1):c.1052C>T (p.Thr351Ile)

Gene: LZTR1 (leucine zipper like post translational regulator 1; plus strand). Cytogenetic location: 22q11.21.
Variant type: single nucleotide variant.
Coding change: c.1052C>T on transcript NM_006767.4 (MANE Select); coding-DNA position 1052, C replaced by T.
Protein change: p.Thr351Ile; replaces threonine 351 with isoleucine.
Molecular consequence: missense variant.
Genome position (GRCh38, 1-based): chr22:20,992,272, C>T. VCF-style: chr22-20992272-C-T. GRCh37 (hg19) VCF-style: chr22-21346561-C-T.
Other names: short protein forms T351I.
Identifiers: ClinVar variation 3238010 (VCV003238010.3), dbSNP rs2518618018.